The following is an entry in ClinVar:

NM_005529.7(HSPG2):c.10079C>T (p.Ser3360Leu)

Gene: HSPG2 (heparan sulfate proteoglycan 2; minus strand). Cytogenetic location: 1p36.12.
Variant type: single nucleotide variant.
Coding change: c.10079C>T on transcript NM_005529.7 (MANE Select); coding-DNA position 10079, C replaced by T.
Protein change: p.Ser3360Leu; replaces serine 3360 with leucine.
Molecular consequence: missense variant.
Genome position (GRCh38, 1-based): chr1:21,838,896, G>A on the plus strand (C>T on the coding strand, the complement: HSPG2 is on the minus strand). VCF-style: chr1-21838896-G-A. GRCh37 (hg19) VCF-style: chr1-22165389-G-A.
Other names: c.10082C>T, p.Ser3361Leu (NM_001291860.2); c.10079C>T (NM_005529.5); short protein forms S3360L, S3361L.
Identifiers: ClinVar variation 995375 (VCV000995375.8), dbSNP rs778225565, ClinGen allele CA670235.
Genomic context (GRCh38, chr1:21,838,896, plus strand): 5'-AGCTGGGCAAAGGCCTCGGCTGAGCCCACCTTGTTGGTGACCCGGCAGCGGTAGCGGCCT[G>A]AGTCCTCAGGGGCTGCACGCTCAAAGTGCAGCAGCTCGTTCCTGGCGGTCGCCCTCCCAG-3'
Protein context (NP_005520.4, residues 3350-3370): LHFERAAPED[Ser3360Leu]GRYRCRVTNK

ClinVar aggregate classification (germline): Uncertain significance. Review status: criteria provided, multiple submitters, no conflicts (2 of 4 stars). 4 submissions from 4 submitters: Uncertain significance (4). Last evaluated 2024-11-15.

Conditions:
Inborn genetic diseases. Identifiers: MedGen C0950123, MeSH D030342.

Allele frequency attached by ClinVar (database versions not stated): gnomAD exomes 0.00003 and 0.00007; gnomAD 0.00007 and 0.00008; TOPMed 0.00009; ExAC 0.00013.
gnomAD v4.1: 55 of 1,612,550 alleles (0.0034%); highest among the groups gnomAD compares: Admixed American, 0.0067%; no homozygotes.

Submissions (4):

Labcorp Genetics (formerly Invitae), Labcorp
Classification: Uncertain significance. Last evaluated: 2024-11-15. Review status: criteria provided, single submitter. Criteria: Invitae Variant Classification Sherloc (09022015). Collection method: clinical testing. Allele origin: germline.
Comment: This sequence change replaces serine, which is neutral and polar, with leucine, which is neutral and non-polar, at codon 3360 of the HSPG2 protein (p.Ser3360Leu). This variant is present in population databases (rs778225565, gnomAD 0.01%). This variant has not been reported in the literature in individuals affected with HSPG2-related conditions. ClinVar contains an entry for this variant (Variation ID: 995375). An algorithm developed to predict the effect of missense changes on protein structure and function (PolyPhen-2) suggests that this variant is likely to be disruptive. In summary, the available evidence is currently insufficient to determine the role of this variant in disease. Therefore, it has been classified as a Variant of Uncertain Significance.

Ambry Genetics
Classification: Uncertain significance for Inborn genetic diseases. Last evaluated: 2024-04-24. Review status: criteria provided, single submitter. Criteria: Ambry Variant Classification Scheme 2023. Collection method: clinical testing. Allele origin: germline.

Athena Diagnostics
Classification: Uncertain significance. Last evaluated: 2020-03-03. Review status: criteria provided, single submitter. Criteria: Athena Diagnostics Criteria. Collection method: clinical testing. Allele origin: unknown.

Revvity Omics, Revvity
Classification: Uncertain significance. Last evaluated: 2019-10-01. Review status: criteria provided, single submitter. Criteria: ACMG Guidelines, 2015. Collection method: clinical testing. Allele origin: germline.